The following is an entry in ClinVar:

NM_139276.3(STAT3):c.1262G>T (p.Gly421Val)

Gene: STAT3 (signal transducer and activator of transcription 3; minus strand). Cytogenetic location: 17q21.2.
Variant type: single nucleotide variant.
Coding change: c.1262G>T on transcript NM_139276.3 (MANE Select); coding-DNA position 1262, G replaced by T.
Protein change: p.Gly421Val; replaces glycine 421 with valine.
Molecular consequence: missense variant.
Genome position (GRCh38, 1-based): chr17:42,329,429, C>A on the plus strand (G>T on the coding strand, the complement: STAT3 is on the minus strand). VCF-style: chr17-42329429-C-A. GRCh37 (hg19) VCF-style: chr17-40481447-C-A.
Other names: c.1262G>T, p.Gly421Val (NM_001369512.1, NM_001369513.1, NM_001369514.1 and 12 more transcripts); c.1184G>T, p.Gly395Val (NM_001384985.1); c.1277G>T, p.Gly426Val (NM_001384986.1, NM_001384990.1); c.1166G>T, p.Gly389Val (NM_001384989.1); c.1202G>T, p.Gly401Val (NM_001384992.1); short protein forms G389V, G395V, G401V, G421V, G426V.
Identifiers: ClinVar variation 4821591 (VCV004821591.4).

ClinVar aggregate classification (germline): Likely pathogenic (1 of 4 stars; one submission).

Submission:

CeGaT Center for Human Genetics Tuebingen
Classification: Likely pathogenic. Last evaluated: 2026-02-01. Review status: criteria provided, single submitter. Criteria: CeGaT Center For Human Genetics Tuebingen Variant Classification Criteria Version 2. Collection method: clinical testing. Allele origin: germline. Affected: yes. Observed: 1 variant allele.
Comment: STAT3: PM1, PM2, PM5, PP2, PP3